The following is an entry in ClinVar:

ClinVar aggregate classification (germline): Benign (1 of 4 stars; one submission).

Submission:

CeGaT Center for Human Genetics Tuebingen
Classification: Benign. Last evaluated: 2022-10-01. Review status: criteria provided, single submitter. Criteria: CeGaT Center For Human Genetics Tuebingen Variant Classification Criteria Version 2. Collection method: clinical testing. Allele origin: germline. Affected: yes. Observed: 1 variant allele.
Comment: HCN4: BS1, BS2

NC_000015.10:g.73377344G>A

Genes: HCN4 (hyperpolarization activated cyclic nucleotide gated potassium channel 4; minus strand), LOC110121492 (VISTA enhancer hs2161; plus strand). Cytogenetic location: 15q24.1.
Variant type: single nucleotide variant.
Genome position: GRCh38 VCF-style: chr15-73377344-G-A. GRCh37 (hg19) VCF-style: chr15-73669685-G-A.
Identifiers: ClinVar variation 2645522 (VCV002645522.24), dbSNP rs1367803291, ClinGen allele CA619079242.